The following is an entry in ClinVar:

ClinVar aggregate classification (germline): Likely benign (0 of 4 stars; one submission).

Conditions:
PDE6B-related disorder. Also called: PDE6B-related disease; PDE6B-related condition; PDE6B-related disorders.

Submission:

PreventionGenetics, part of Exact Sciences
Classification: Likely benign for PDE6B-related condition. Last evaluated: 2019-08-09. Review status: no assertion criteria provided. Collection method: clinical testing. Allele origin: germline.
Comment: This variant is classified as likely benign based on ACMG/AMP sequence variant interpretation guidelines (Richards et al. 2015 PMID: 25741868, with internal and published modifications).

NM_000283.4(PDE6B):c.1107+6T>C

Gene: PDE6B (phosphodiesterase 6B; plus strand). Cytogenetic location: 4p16.3.
Variant type: single nucleotide variant.
Coding change: c.1107+6T>C on transcript NM_000283.4 (MANE Select); 6 bases into the intron after coding-DNA position 1107, T replaced by C.
Molecular consequence: intron variant.
Genome position (GRCh38, 1-based): chr4:656,298, T>C. VCF-style: chr4-656298-T-C. GRCh37 (hg19) VCF-style: chr4-650087-T-C.
Other names: c.1107+6T>C (NM_001145291.2); c.270+6T>C (NM_001379246.1, NM_001379247.1, NM_001145292.2 and 1 more transcripts); c.-48-576T>C (NM_001350155.3).
Identifiers: ClinVar variation 3035006 (VCV003035006.2), dbSNP rs1736232746, ClinGen allele CA2669425962.